The following is an entry in ClinVar:

ClinVar aggregate classification (germline): Benign/Likely benign. Review status: criteria provided, multiple submitters, no conflicts (2 of 4 stars). 6 submissions from 6 submitters: Benign (4); Likely benign (2). Last evaluated 2025-12-20.

Conditions:
Cardiovascular phenotype. Identifiers: MedGen CN230736.
Cardiomyopathy, familial hypertrophic 27. Identifiers: MedGen C4748014, MONDO:0054838, OMIM 618052.

Allele frequency attached by ClinVar (database versions not stated): TOPMed 0.00009; ESP Exome Variant Server 0.00015; 1000 Genomes Project 30x 0.00031; 1000 Genomes Project 0.00040; gnomAD 0.00188 and 0.00202.
gnomAD v4.1: 1,611 of 1,558,948 alleles (0.1%); highest among the groups gnomAD compares: Non-Finnish European, 0.014%; 18 homozygotes.

Submissions (6):

Labcorp Genetics (formerly Invitae), Labcorp
Classification: Benign. Last evaluated: 2025-12-20. Review status: criteria provided, single submitter. Criteria: Invitae Variant Classification Sherloc (09022015). Collection method: clinical testing. Allele origin: germline.

Mayo Clinic Laboratories, Mayo Clinic
Classification: Benign. Last evaluated: 2025-09-11. Review status: criteria provided, single submitter. Criteria: ACMG Guidelines, 2015. Collection method: clinical testing. Allele origin: germline. Observed: 1 variant allele.
Comment: BA1, BP4_moderate

Blueprint Genetics
Classification: Likely benign. Last evaluated: 2024-11-21. Review status: criteria provided, single submitter. Criteria: ACMG Guidelines, 2015. Collection method: clinical testing. Allele origin: germline.

ARUP Laboratories, Molecular Genetics and Genomics, ARUP Laboratories
Classification: Benign for Cardiomyopathy, familial hypertrophic 27. Last evaluated: 2023-08-31. Review status: criteria provided, single submitter. Criteria: ARUP Molecular Germline Variant Investigation Process 2024. Collection method: clinical testing. Allele origin: germline.

Ambry Genetics
Classification: Benign for Cardiovascular phenotype. Last evaluated: 2021-10-28. Review status: criteria provided, single submitter. Criteria: Ambry Variant Classification Scheme 2023. Collection method: clinical testing. Allele origin: germline.

GeneDx
Classification: Likely benign. Last evaluated: 2018-03-02. Review status: criteria provided, single submitter. Criteria: GeneDx Variant Classification (06012015). Collection method: clinical testing. Allele origin: germline. Affected: yes.
Comment: This variant is considered likely benign or benign based on one or more of the following criteria: it is a conservative change, it occurs at a poorly conserved position in the protein, it is predicted to be benign by multiple in silico algorithms, and/or has population frequency not consistent with disease.

NM_020778.5(ALPK3):c.1336C>A (p.Pro446Thr)

Gene: ALPK3 (alpha kinase 3; plus strand). Cytogenetic location: 15q25.3.
Variant type: single nucleotide variant.
Coding change: c.1336C>A on transcript NM_020778.5 (MANE Select); coding-DNA position 1336, C replaced by A.
Protein change: p.Pro446Thr; replaces proline 446 with threonine.
Molecular consequence: missense variant.
Genome position (GRCh38, 1-based): chr15:84,840,615, C>A. VCF-style: chr15-84840615-C-A. GRCh37 (hg19) VCF-style: chr15-85383846-C-A.
Other names: p.Pro648Thr; short protein forms P648T, P446T.
Identifiers: ClinVar variation 515846 (VCV000515846.13), dbSNP rs199986476, ClinGen allele CA7709164.